The following is an entry in ClinVar:

NM_014365.3(HSPB8):c.472C>T (p.Leu158Phe)

Gene: HSPB8 (heat shock protein family B (small) member 8; plus strand). Cytogenetic location: 12q24.23.
Variant type: single nucleotide variant.
Coding change: c.472C>T on transcript NM_014365.3 (MANE Select); coding-DNA position 472, C replaced by T.
Protein change: p.Leu158Phe; replaces leucine 158 with phenylalanine.
Molecular consequence: missense variant.
Genome position (GRCh38, 1-based): chr12:119,193,739, C>T. VCF-style: chr12-119193739-C-T. GRCh37 (hg19) VCF-style: chr12-119631544-C-T.
Other names: short protein forms L158F.
Identifiers: ClinVar variation 654626 (VCV000654626.8), dbSNP rs144662422, ClinGen allele CA6819614.

ClinVar aggregate classification (germline): Uncertain significance (1 of 4 stars; one submission).

Conditions:
Charcot-Marie-Tooth disease axonal type 2L. Also called: Charcot-Marie-Tooth Neuropathy Type 2L; CHARCOT-MARIE-TOOTH DISEASE, AXONAL, AUTOSOMAL DOMINANT, TYPE 2L; CHARCOT-MARIE-TOOTH NEUROPATHY, AXONAL, TYPE 2L. Identifiers: Orphanet 99945, MedGen C1837552, MONDO:0012096, OMIM 608673.

Allele frequency attached by ClinVar (database versions not stated): gnomAD exomes below 0.00001; ExAC 0.00001; ESP Exome Variant Server 0.00008.
gnomAD v4.1: 7 of 1,614,230 alleles (0.00043%); highest among the groups gnomAD compares: Non-Finnish European, 0.00059%; no homozygotes.

Submission:

Labcorp Genetics (formerly Invitae), Labcorp
Classification: Uncertain significance for Charcot-Marie-Tooth disease axonal type 2L. Last evaluated: 2024-10-22. Review status: criteria provided, single submitter. Criteria: Invitae Variant Classification Sherloc (09022015). Collection method: clinical testing. Allele origin: germline.
Comment: This sequence change replaces leucine, which is neutral and non-polar, with phenylalanine, which is neutral and non-polar, at codon 158 of the HSPB8 protein (p.Leu158Phe). This variant is present in population databases (rs144662422, gnomAD 0.0009%). This variant has not been reported in the literature in individuals affected with HSPB8-related conditions. ClinVar contains an entry for this variant (Variation ID: 654626). An algorithm developed to predict the effect of missense changes on protein structure and function (PolyPhen-2) suggests that this variant is likely to be disruptive. In summary, the available evidence is currently insufficient to determine the role of this variant in disease. Therefore, it has been classified as a Variant of Uncertain Significance.